The following is an entry in ClinVar:

NM_004525.3(LRP2):c.8854G>C (p.Glu2952Gln)

Gene: LRP2 (LDL receptor related protein 2; minus strand). Cytogenetic location: 2q31.1.
Variant type: single nucleotide variant.
Coding change: c.8854G>C on transcript NM_004525.3 (MANE Select); coding-DNA position 8854, G replaced by C.
Protein change: p.Glu2952Gln; replaces glutamic acid 2952 with glutamine.
Molecular consequence: missense variant.
Genome position (GRCh38, 1-based): chr2:169,192,010, C>G on the plus strand (G>C on the coding strand, the complement: LRP2 is on the minus strand). VCF-style: chr2-169192010-C-G. GRCh37 (hg19) VCF-style: chr2-170048520-C-G.
Other names: c.8854G>C (NM_004525.2); short protein forms E2952Q.
Identifiers: ClinVar variation 2119339 (VCV002119339.5), dbSNP rs138894447, ClinGen allele CA349159609.
Genomic context (GRCh38, chr2:169,192,010, plus strand): 5'-AGACCCAAGACTGGGGAATGCACCTCCTGTCCGGAGGTCTGTCATTTACACAGAGAAACT[C>G]GGAATCCGAGCAGTTTTGATTCTCTGAAACCAAAGCACGCAAGAATCAGAAAGCATGAGA-3'
Protein context (NP_004516.2, residues 2942-2962): QCQNQNCSDS[Glu2952Gln]FLCVNDRPPD

ClinVar aggregate classification (germline): Uncertain significance. Review status: criteria provided, multiple submitters, no conflicts (2 of 4 stars). 3 submissions from 3 submitters: Uncertain significance (3). Last evaluated 2025-03-04.

Conditions:
Inborn genetic diseases. Identifiers: MedGen C0950123, MeSH D030342.
Donnai-Barrow syndrome. Also called: DBS/FOAR SYNDROME; FACIOOCULOACOUSTICORENAL SYNDROME. Identifiers: Orphanet 2143, MedGen C1857277, MONDO:0009104, OMIM 222448.

gnomAD v4.1: 2 of 1,612,760 alleles (0.00012%); highest among the groups gnomAD compares: African/African-American, 0.0013%; no homozygotes.

Submissions (3):

Ambry Genetics
Classification: Uncertain significance for Inborn genetic diseases. Last evaluated: 2025-03-04. Review status: criteria provided, single submitter. Criteria: Ambry Variant Classification Scheme 2023. Collection method: clinical testing. Allele origin: germline.

Fulgent Genetics
Classification: Uncertain significance for Donnai-Barrow syndrome. Last evaluated: 2024-05-31. Review status: criteria provided, single submitter. Criteria: ACMG Guidelines, 2015. Collection method: clinical testing. Allele origin: germline.

Labcorp Genetics (formerly Invitae), Labcorp
Classification: Uncertain significance. Last evaluated: 2024-02-24. Review status: criteria provided, single submitter. Criteria: Invitae Variant Classification Sherloc (09022015). Collection method: clinical testing. Allele origin: germline.
Comment: This sequence change replaces glutamic acid, which is acidic and polar, with glutamine, which is neutral and polar, at codon 2952 of the LRP2 protein (p.Glu2952Gln). This variant is not present in population databases (gnomAD no frequency). This variant has not been reported in the literature in individuals affected with LRP2-related conditions. ClinVar contains an entry for this variant (Variation ID: 2119339). Advanced modeling of protein sequence and biophysical properties (such as structural, functional, and spatial information, amino acid conservation, physicochemical variation, residue mobility, and thermodynamic stability) performed at Invitae indicates that this missense variant is not expected to disrupt LRP2 protein function with a negative predictive value of 95%. In summary, the available evidence is currently insufficient to determine the role of this variant in disease. Therefore, it has been classified as a Variant of Uncertain Significance.